The following is an entry in ClinVar:

ClinVar aggregate classification (germline): Pathogenic (1 of 4 stars; one submission).

Conditions:
Lissencephaly due to LIS1 mutation (LIS1). Also called: Isolated Lissencephaly Sequence; PAFAH1B1-Related Lissencephaly/Subcortical Band Heterotopia; PAFAH1B1-Associated Lissencephaly/Subcortical Band Heterotopia. Identifiers: Orphanet 95232, MedGen C4749301, MONDO:0011830, OMIM 607432.

Submission:

Human Genome Lab, NIMHANS, National Institute of Mental Health and Neuro Sciences
Classification: Pathogenic for Lissencephaly due to LIS1 mutation. Review status: criteria provided, single submitter. Criteria: ACMG Guidelines, 2015. Collection method: clinical testing. Allele origin: germline. Inheritance: Autosomal dominant inheritance. Affected: yes. Observed: 1 heterozygote.
Comment: The splice region variant NM_000430.4(PAFAH1B1):c.33-5T>C has not been reported previously as a pathogenic variant nor as a benign variant, to our knowledge. The c.33-5T>C variant is novel (not in any individuals) in 1kG All as well as in our in-house database. The c.33-5T>C variant is novel (not in any individuals) in gnomAD. Pathogenic computational verdict based on 1 pathogenic prediction from phyloP vs no benign predictions. Further, the clinical phenotype of the proband matches with that of the disorder caused by pathogenic variants in PAFAH1B1 gene. The variant was not found to be segregated in the parents confirming the De novo status of the variant. For these reasons, this variant has been classified as Likely Pathogenic.

NC_000017.11:g.2665367T>C

Gene: PAFAH1B1 (platelet activating factor acetylhydrolase 1b regulatory subunit 1; plus strand). Cytogenetic location: 17p13.3.
Variant type: single nucleotide variant.
Molecular consequence: intron variant (on NM_000430.4).
Genome position: GRCh38 VCF-style: chr17-2665367-T-C. GRCh37 (hg19) VCF-style: chr17-2568661-T-C.
Other names: c.33-5T>C (NM_000430.4).
Identifiers: ClinVar variation 2504116 (VCV002504116.2), dbSNP rs2544085840, ClinGen allele CA2635320110.